The following is an entry in ClinVar:

NM_002439.5(MSH3):c.2627A>G (p.Gln876Arg)

Gene: MSH3 (mutS homolog 3; plus strand). Cytogenetic location: 5q14.1.
Variant type: single nucleotide variant.
Coding change: c.2627A>G on transcript NM_002439.5 (MANE Select); coding-DNA position 2627, A replaced by G.
Protein change: p.Gln876Arg; replaces glutamine 876 with arginine.
Molecular consequence: missense variant.
Genome position (GRCh38, 1-based): chr5:80,792,816, A>G. VCF-style: chr5-80792816-A-G. GRCh37 (hg19) VCF-style: chr5-80088635-A-G.
Other names: c.2627A>G (NM_002439.3); short protein forms Q876R.
Identifiers: ClinVar variation 1479135 (VCV001479135.7), dbSNP rs1580053746, ClinGen allele CA360273007.
Genomic context (GRCh38, chr5:80,792,816, plus strand): 5'-AAATTGTAATAAAAAATGGAAGGCACCCTGTGATTGATGTGTTGCTGGGAGAACAGGATC[A>G]ATATGTCCCAAATAATACAGATTTATCAGTAAGTACCTTATGCCAAAAAATAAGTCGATG-3'
Protein context (NP_002430.3, residues 866-886): VIDVLLGEQD[Gln876Arg]YVPNNTDLSE

ClinVar aggregate classification (germline): Uncertain significance. Review status: criteria provided, multiple submitters, no conflicts (2 of 4 stars). 2 submissions from 2 submitters: Uncertain significance (2). Last evaluated 2024-01-17.

Conditions:
Hereditary cancer-predisposing syndrome. Also called: Tumor predisposition; Hereditary Cancer Syndrome; Hereditary neoplastic syndrome; Neoplastic Syndromes, Hereditary. Identifiers: Orphanet 140162, MedGen C0027672, MeSH D009386, MONDO:0015356.

Submissions (2):

Ambry Genetics
Classification: Uncertain significance for Hereditary cancer-predisposing syndrome. Last evaluated: 2024-01-17. Review status: criteria provided, single submitter. Criteria: Ambry Variant Classification Scheme 2023. Collection method: clinical testing. Allele origin: germline.
Comment: The p.Q876R variant (also known as c.2627A>G), located in coding exon 19 of the MSH3 gene, results from an A to G substitution at nucleotide position 2627. The glutamine at codon 876 is replaced by arginine, an amino acid with highly similar properties. This amino acid position is conserved. In addition, the in silico prediction for this alteration is inconclusive. Based on the available evidence, the clinical significance of this alteration remains unclear.

Labcorp Genetics (formerly Invitae), Labcorp
Classification: Uncertain significance. Last evaluated: 2023-08-14. Review status: criteria provided, single submitter. Criteria: Invitae Variant Classification Sherloc (09022015). Collection method: clinical testing. Allele origin: germline.
Comment: This sequence change replaces glutamine, which is neutral and polar, with arginine, which is basic and polar, at codon 876 of the MSH3 protein (p.Gln876Arg). In summary, the available evidence is currently insufficient to determine the role of this variant in disease. Therefore, it has been classified as a Variant of Uncertain Significance. An algorithm developed to predict the effect of missense changes on protein structure and function (PolyPhen-2) suggests that this variant is likely to be disruptive. ClinVar contains an entry for this variant (Variation ID: 1479135). This variant has not been reported in the literature in individuals affected with MSH3-related conditions. This variant is not present in population databases (gnomAD no frequency).